The following is an entry in ClinVar:

ClinVar aggregate classification (germline): Uncertain significance (1 of 4 stars; one submission).

Allele frequency attached by ClinVar (database versions not stated): gnomAD exomes below 0.00001; ExAC 0.00001; gnomAD 0.00002; TOPMed 0.00002.
gnomAD v4.1: 6 of 1,613,968 alleles (0.00037%); highest among the groups gnomAD compares: African/African-American, 0.0067%; no homozygotes.

Submission:

Labcorp Genetics (formerly Invitae), Labcorp
Classification: Uncertain significance. Last evaluated: 2022-07-05. Review status: criteria provided, single submitter. Criteria: Invitae Variant Classification Sherloc (09022015). Collection method: clinical testing. Allele origin: germline.
Comment: In summary, the available evidence is currently insufficient to determine the role of this variant in disease. Therefore, it has been classified as a Variant of Uncertain Significance. Algorithms developed to predict the effect of missense changes on protein structure and function are either unavailable or do not agree on the potential impact of this missense change (SIFT: "Tolerated"; PolyPhen-2: "Not Available"; Align-GVGD: "Class C0"). This sequence change replaces leucine, which is neutral and non-polar, with proline, which is neutral and non-polar, at codon 15 of the RDH5 protein (p.Leu15Pro). This variant is present in population databases (rs757963264, gnomAD 0.01%). This variant has not been reported in the literature in individuals affected with RDH5-related conditions. ClinVar contains an entry for this variant (Variation ID: 866016).

NM_002905.5(RDH5):c.44T>C (p.Leu15Pro)

Genes: BLOC1S1-RDH5 (BLOC1S1-RDH5 readthrough; plus strand), RDH5 (retinol dehydrogenase 5; plus strand). Cytogenetic location: 12q13.2.
Variant type: single nucleotide variant.
Coding change: c.44T>C on transcript NM_002905.5 (MANE Select); coding-DNA position 44, T replaced by C.
Protein change: p.Leu15Pro; replaces leucine 15 with proline.
Molecular consequence: missense variant.
Genome position (GRCh38, 1-based): chr12:55,721,228, T>C. VCF-style: chr12-55721228-T-C. GRCh37 (hg19) VCF-style: chr12-56115012-T-C.
Other names: c.44T>C, p.Leu15Pro (NM_001199771.3); short protein forms L15P.
Identifiers: ClinVar variation 866016 (VCV000866016.6), dbSNP rs757963264, ClinGen allele CA6616728.